The following is an entry in ClinVar:

ClinVar aggregate classification (germline): Uncertain significance (1 of 4 stars; one submission).

Submission:

Labcorp Genetics (formerly Invitae), Labcorp
Classification: Uncertain significance. Last evaluated: 2022-05-21. Review status: criteria provided, single submitter. Criteria: Invitae Variant Classification Sherloc (09022015). Collection method: clinical testing. Allele origin: germline.
Comment: In summary, the available evidence is currently insufficient to determine the role of this variant in disease. Therefore, it has been classified as a Variant of Uncertain Significance. Algorithms developed to predict the effect of missense changes on protein structure and function output the following: SIFT: "Tolerated"; PolyPhen-2: "Possibly Damaging"; Align-GVGD: "Class C0". The threonine amino acid residue is found in multiple mammalian species, which suggests that this missense change does not adversely affect protein function. This variant has not been reported in the literature in individuals affected with TUB-related conditions. This variant is not present in population databases (gnomAD no frequency). This sequence change replaces alanine, which is neutral and non-polar, with threonine, which is neutral and polar, at codon 143 of the TUB protein (p.Ala143Thr).

NM_177972.3(TUB):c.262G>A (p.Ala88Thr)

Genes: RIC3 (RIC3 acetylcholine receptor chaperone; minus strand), TUB (TUB bipartite transcription factor; plus strand). Cytogenetic location: 11p15.4.
Variant type: single nucleotide variant.
Coding change: c.262G>A on transcript NM_177972.3 (MANE Select); coding-DNA position 262, G replaced by A.
Protein change: p.Ala88Thr; replaces alanine 88 with threonine.
Molecular consequence: missense variant. On other transcripts: non-coding transcript variant (1).
Genome position (GRCh38, 1-based): chr11:8,094,054, G>A. VCF-style: chr11-8094054-G-A. GRCh37 (hg19) VCF-style: chr11-8115601-G-A.
Other names: c.427G>A, p.Ala143Thr (NM_003320.5); short protein forms A88T, A143T.
Identifiers: ClinVar variation 1997404 (VCV001997404.4), dbSNP rs2539220152, ClinGen allele CA379564332.